The following is an entry in ClinVar:

ClinVar aggregate classification (germline): Pathogenic. Review status: reviewed by expert panel (3 of 4 stars). 4 submissions from 4 submitters: Pathogenic (1). 3 of the submissions do not count toward it. Last evaluated 2017-03-17.

Conditions:
Bronchiectasis with or without elevated sweat chloride 1 (BESC1). Also called: Cystic Fibrosis-Like Syndrome. Identifiers: Orphanet 60033, MedGen C2749757, MONDO:0008887, OMIM 211400.
Cystic fibrosis (CF). Also called: MUCOVISCIDOSIS. Identifiers: Orphanet 586, MedGen C0010674, MONDO:0009061, OMIM 219700. Disease mechanism: loss of function.

Submissions (4):

CFTR2
Classification: Pathogenic for Cystic fibrosis. Last evaluated: 2017-03-17. Review status: reviewed by expert panel. Criteria: Sosnay PR et al. (Nat Genet 2013). Collection method: research. Allele origin: germline. Affected: yes. Study: CFTR2.

Baylor Genetics
Classification: Pathogenic for Bronchiectasis with or without elevated sweat chloride 1. Last evaluated: 2023-02-01. Review status: criteria provided, single submitter. Criteria: ACMG Guidelines, 2015. Collection method: clinical testing. Allele origin: unknown. Not counted in ClinVar's aggregate classification.

Labcorp Genetics (formerly Invitae), Labcorp
Classification: Pathogenic for Cystic fibrosis. Last evaluated: 2022-02-27. Review status: criteria provided, single submitter. Criteria: Invitae Variant Classification Sherloc (09022015). Collection method: clinical testing. Allele origin: germline. Not counted in ClinVar's aggregate classification.
Comment: This variant is also known as CF3821delT. This premature translational stop signal has been observed in individual(s) with cystic fibrosis (PMID: 1710600, 27081564, 30548586). This variant is not present in population databases (gnomAD no frequency). This sequence change creates a premature translational stop signal (p.Ser1231Profs*4) in the CFTR gene. It is expected to result in an absent or disrupted protein product. Loss-of-function variants in CFTR are known to be pathogenic (PMID: 1695717, 7691345, 9725922). ClinVar contains an entry for this variant (Variation ID: 35871). For these reasons, this variant has been classified as Pathogenic. Algorithms developed to predict the effect of sequence changes on RNA splicing suggest that this variant may disrupt the consensus splice site.

Women's Health and Genetics/Laboratory Corporation of America, LabCorp
Classification: Likely pathogenic for Cystic Fibrosis. Last evaluated: 2015-10-02. Review status: no assertion criteria provided. Collection method: clinical testing. Allele origin: germline. Not counted in ClinVar's aggregate classification.

Literature cited by the submitters: PubMed 1710600 (cited by Labcorp Genetics (formerly Invitae), Labcorp); PubMed 27081564 (cited by Labcorp Genetics (formerly Invitae), Labcorp); PubMed 30548586 (cited by Labcorp Genetics (formerly Invitae), Labcorp); PubMed 1695717 (cited by Labcorp Genetics (formerly Invitae), Labcorp); PubMed 7691345 (cited by Labcorp Genetics (formerly Invitae), Labcorp); PubMed 9725922 (cited by Labcorp Genetics (formerly Invitae), Labcorp).

NM_000492.4(CFTR):c.3691del (p.Ser1231fs)

Genes: CFTR (CF transmembrane conductance regulator; plus strand), CFTR-AS2 (CFTR antisense RNA 2; minus strand). Cytogenetic location: 7q31.2.
Variant type: Deletion.
Coding change: c.3691del on transcript NM_000492.4 (MANE Select); coding-DNA position 3691, one base deleted (T; older notation c.3691delT).
Protein change: p.Ser1231fs; shifts the reading frame from serine 1231.
Molecular consequence: frameshift variant.
Genome position (GRCh38, 1-based): chr7:117,627,744, T deleted; the last of 3 consecutive T bases (chr7:117,627,742-117,627,744); deleting any one gives the same sequence. VCF-style (leftmost placement, unchanged base first): chr7-117627741-AT-A. GRCh37 (hg19) VCF-style: chr7-117267795-AT-A.
Other names: 3821delT; c.3691delT (NM_000492.3); short protein forms S1231fs.
Identifiers: ClinVar variation 35871 (VCV000035871.7), dbSNP rs77035409, ClinGen allele CA325707.
Genomic context (GRCh38, chr7:117,627,741, plus strand): 5'-ATGACTGTCAAAGATCTCACAGCAAAATACACAGAAGGTGGAAATGCCATATTAGAGAAC[AT>A]TTCCTTCTCAATAAGTCCTGGCCAGAGGGTGAGATTTGAACACTGCTTGCTTTGTTAGAC-3'